The following is an entry in ClinVar:

NM_005751.5(AKAP9):c.6488G>A (p.Ser2163Asn)

Gene: AKAP9 (A-kinase anchoring protein 9; plus strand). Cytogenetic location: 7q21.2.
Variant type: single nucleotide variant.
Coding change: c.6488G>A on transcript NM_005751.5 (MANE Select); coding-DNA position 6488, G replaced by A.
Protein change: p.Ser2163Asn; replaces serine 2163 with asparagine.
Molecular consequence: missense variant. On other transcripts: intron variant (1).
Genome position (GRCh38, 1-based): chr7:92,070,187, G>A. VCF-style: chr7-92070187-G-A. GRCh37 (hg19) VCF-style: chr7-91699501-G-A.
Other names: c.1133G>A, p.Ser378Asn (NM_001379277.1); c.6483+5G>A (NM_147185.3); short protein forms S2163N, S378N.
Identifiers: ClinVar variation 1753796 (VCV001753796.3), dbSNP rs2535218818, ClinGen allele CA368134309.

ClinVar aggregate classification (germline): Uncertain significance (1 of 4 stars; one submission).

Conditions:
Cardiovascular phenotype. Identifiers: MedGen CN230736.

Allele frequency attached by ClinVar (database versions not stated): gnomAD exomes below 0.00001.
gnomAD v4.1: 2 of 1,614,024 alleles (0.00012%); highest among the groups gnomAD compares: Non-Finnish European, 0.00017%; no homozygotes.

Submission:

Ambry Genetics
Classification: Uncertain significance for Cardiovascular phenotype. Last evaluated: 2025-08-19. Review status: criteria provided, single submitter. Criteria: Ambry Variant Classification Scheme 2023. Collection method: clinical testing. Allele origin: germline.
Comment: The p.S2163N variant (also known as c.6488G>A), located in coding exon 27 of the AKAP9 gene, results from a G to A substitution at nucleotide position 6488. The serine at codon 2163 is replaced by asparagine, an amino acid with highly similar properties. This amino acid position is conserved. In addition, this alteration is predicted to be tolerated by in silico analysis. Since supporting evidence is limited at this time, the clinical significance of this alteration remains unclear.